The following is an entry in ClinVar:

ClinVar aggregate classification (germline): Uncertain significance. Review status: criteria provided, multiple submitters, no conflicts (2 of 4 stars). 2 submissions from 2 submitters: Uncertain significance (2). Last evaluated 2022-12-21.

Allele frequency attached by ClinVar (database versions not stated): TOPMed below 0.00001; gnomAD exomes 0.00001; ExAC 0.00002.
gnomAD v4.1: 3 of 1,613,188 alleles (0.00019%); highest among the groups gnomAD compares: Non-Finnish European, 0.00017%; no homozygotes.

Submissions (2):

Blueprint Genetics
Classification: Uncertain significance. Last evaluated: 2022-12-21. Review status: criteria provided, single submitter. Criteria: ACMG Guidelines, 2015. Collection method: clinical testing. Allele origin: germline.

Labcorp Genetics (formerly Invitae), Labcorp
Classification: Uncertain significance. Last evaluated: 2022-06-05. Review status: criteria provided, single submitter. Criteria: Invitae Variant Classification Sherloc (09022015). Collection method: clinical testing. Allele origin: germline.
Comment: In summary, the available evidence is currently insufficient to determine the role of this variant in disease. Therefore, it has been classified as a Variant of Uncertain Significance. Advanced modeling of protein sequence and biophysical properties (such as structural, functional, and spatial information, amino acid conservation, physicochemical variation, residue mobility, and thermodynamic stability) performed at Invitae indicates that this missense variant is expected to disrupt GRM6 protein function. ClinVar contains an entry for this variant (Variation ID: 1062193). This variant has not been reported in the literature in individuals affected with GRM6-related conditions. This variant is present in population databases (rs747287686, gnomAD 0.002%). This sequence change replaces valine, which is neutral and non-polar, with alanine, which is neutral and non-polar, at codon 603 of the GRM6 protein (p.Val603Ala).

NM_000843.4(GRM6):c.1808T>C (p.Val603Ala)

Genes: GRM6 (glutamate metabotropic receptor 6; minus strand), ZNF454 (zinc finger protein 454; plus strand). Cytogenetic location: 5q35.3.
Variant type: single nucleotide variant.
Coding change: c.1808T>C on transcript NM_000843.4 (MANE Select); coding-DNA position 1808, T replaced by C.
Protein change: p.Val603Ala; replaces valine 603 with alanine.
Molecular consequence: missense variant.
Genome position (GRCh38, 1-based): chr5:178,986,446, A>G on the plus strand (T>C on the coding strand, the complement: GRM6 is on the minus strand). VCF-style: chr5-178986446-A-G. GRCh37 (hg19) VCF-style: chr5-178413447-A-G.
Other names: short protein forms V603A.
Identifiers: ClinVar variation 1062193 (VCV001062193.8), dbSNP rs747287686, ClinGen allele CA3593924.
Genomic context (GRCh38, chr5:178,986,446, plus strand): 5'-AGCTCTCGGCCCGAGGCCCGGACGATGGGCGTGTTGTTGTACCGCACGAAGGTGGCCACC[A>G]CCGTGGTAGTGGCCACGATGCCCAGCACGGCCAGGAGGAGCGGCGGGGCTGCCCAGGGGG-3'
Protein context (NP_000834.2, residues 593-613): AVLGIVATTT[Val603Ala]VATFVRYNNT